The following is an entry in ClinVar:

ClinVar aggregate classification (germline): Uncertain significance (1 of 4 stars; one submission).

Conditions:
Rhabdoid tumor predisposition syndrome 2 (RTPS2). Identifiers: Orphanet 231108, Orphanet 69077, MedGen C2750074, MONDO:0013224, OMIM 613325.

Submission:

Labcorp Genetics (formerly Invitae), Labcorp
Classification: Uncertain significance for Rhabdoid tumor predisposition syndrome 2. Last evaluated: 2024-08-18. Review status: criteria provided, single submitter. Criteria: Invitae Variant Classification Sherloc (09022015). Collection method: clinical testing. Allele origin: germline.
Comment: This sequence change replaces valine, which is neutral and non-polar, with leucine, which is neutral and non-polar, at codon 619 of the SMARCA4 protein (p.Val619Leu). This variant is not present in population databases (gnomAD no frequency). This variant has not been reported in the literature in individuals affected with SMARCA4-related conditions. Invitae Evidence Modeling of protein sequence and biophysical properties (such as structural, functional, and spatial information, amino acid conservation, physicochemical variation, residue mobility, and thermodynamic stability) has been performed for this missense variant. However, the output from this modeling did not meet the statistical confidence thresholds required to predict the impact of this variant on SMARCA4 protein function. In summary, the available evidence is currently insufficient to determine the role of this variant in disease. Therefore, it has been classified as a Variant of Uncertain Significance.

NM_003072.5(SMARCA4):c.1855G>T (p.Val619Leu)

Gene: SMARCA4 (SWI/SNF related BAF chromatin remodeling complex subunit ATPase 4; plus strand). Cytogenetic location: 19p13.2.
Variant type: single nucleotide variant.
Coding change: c.1855G>T on transcript NM_003072.5 (MANE Select); coding-DNA position 1855, G replaced by T.
Protein change: p.Val619Leu; replaces valine 619 with leucine.
Molecular consequence: missense variant. On other transcripts: non-coding transcript variant (1).
Genome position (GRCh38, 1-based): chr19:11,003,071, G>T. VCF-style: chr19-11003071-G-T. GRCh37 (hg19) VCF-style: chr19-11113747-G-T.
Other names: c.1855G>T, p.Val619Leu (NM_001128844.3, NM_001128845.2, NM_001128846.2 and 6 more transcripts); short protein forms V619L.
Identifiers: ClinVar variation 3636856 (VCV003636856.2).